The following is an entry in ClinVar:

ClinVar aggregate classification (germline): Uncertain significance (0 of 4 stars; one submission).

Conditions:
SCO2-related disorder. Also called: SCO2-related condition.

Allele frequency attached by ClinVar (database versions not stated): gnomAD exomes below 0.00001; ExAC 0.00002.
gnomAD v4.1: 7 of 1,613,974 alleles (0.00043%); highest among the groups gnomAD compares: South Asian, 0.0077%; no homozygotes.

Submission:

PreventionGenetics, part of Exact Sciences
Classification: Uncertain significance for SCO2-related condition. Last evaluated: 2023-12-24. Review status: no assertion criteria provided. Collection method: clinical testing. Allele origin: germline.
Comment: The SCO2 c.593T>C variant is predicted to result in the amino acid substitution p.Val198Ala. To our knowledge, this variant has not been reported in the literature. This variant is reported in 0.0065% of alleles in individuals of South Asian descent in gnomAD. At this time, the clinical significance of this variant is uncertain due to the absence of conclusive functional and genetic evidence.

NM_005138.3(SCO2):c.593T>C (p.Val198Ala)

Genes: NCAPH2 (non-SMC condensin II complex subunit H2; plus strand), SCO2 (synthesis of cytochrome C oxidase 2; minus strand). Cytogenetic location: 22q13.33.
Variant type: single nucleotide variant.
Coding change: c.593T>C on transcript NM_005138.3 (MANE Select); coding-DNA position 593, T replaced by C.
Protein change: p.Val198Ala; replaces valine 198 with alanine.
Molecular consequence: missense variant. On other transcripts: 3 prime UTR variant (2).
Genome position (GRCh38, 1-based): chr22:50,523,819, A>G on the plus strand (T>C on the coding strand, the complement: SCO2 is on the minus strand). VCF-style: chr22-50523819-A-G. GRCh37 (hg19) VCF-style: chr22-50962248-A-G.
Other names: c.*444A>G (NM_001185011.2, NM_152299.4); c.593T>C, p.Val198Ala (NM_001169109.2, NM_001169110.1, NM_001169111.2); short protein forms V198A.
Identifiers: ClinVar variation 3056274 (VCV003056274.2), dbSNP rs747200175, ClinGen allele CA10321164.